The following continues an entry in ClinVar:

NM_022168.4(IFIH1):c.2807+1G>A

Gene: IFIH1. ClinVar aggregate classification (germline): Conflicting classifications of pathogenicity. Pathogenic (1); Uncertain significance (1); Benign (4); Likely benign (6).

Submissions 25 to 60 of 102:

Dr. Peter K. Rogan Lab, Western University
No classification provided (evidence only). Condition: Lung cancer. Review status: no classification provided. Collection method: in vitro. Allele origin: not applicable. Functional consequence: skipped exon, retained intron. Not counted in ClinVar's aggregate classification.

Dr. Peter K. Rogan Lab, Western University
No classification provided (evidence only). Condition: Lung cancer. Review status: no classification provided. Collection method: in vitro. Allele origin: not applicable. Functional consequence: skipped exon, retained intron. Not counted in ClinVar's aggregate classification.

Dr. Peter K. Rogan Lab, Western University
No classification provided (evidence only). Condition: Lung cancer. Review status: no classification provided. Collection method: in vitro. Allele origin: not applicable. Functional consequence: skipped exon. Not counted in ClinVar's aggregate classification.

Dr. Peter K. Rogan Lab, Western University
No classification provided (evidence only). Condition: Lung cancer. Review status: no classification provided. Collection method: in vitro. Allele origin: not applicable. Functional consequence: skipped exon. Not counted in ClinVar's aggregate classification.

Dr. Peter K. Rogan Lab, Western University
No classification provided (evidence only). Condition: Lung cancer. Review status: no classification provided. Collection method: in vitro. Allele origin: not applicable. Functional consequence: skipped exon. Not counted in ClinVar's aggregate classification.

Dr. Peter K. Rogan Lab, Western University
No classification provided (evidence only). Condition: Lung cancer. Review status: no classification provided. Collection method: in vitro. Allele origin: not applicable. Functional consequence: skipped exon, retained intron. Not counted in ClinVar's aggregate classification.

Dr. Peter K. Rogan Lab, Western University
No classification provided (evidence only). Condition: Lung cancer. Review status: no classification provided. Collection method: in vitro. Allele origin: not applicable. Functional consequence: skipped exon, retained intron. Not counted in ClinVar's aggregate classification.

Dr. Peter K. Rogan Lab, Western University
No classification provided (evidence only). Condition: Lung cancer. Review status: no classification provided. Collection method: in vitro. Allele origin: not applicable. Functional consequence: skipped exon, retained intron. Not counted in ClinVar's aggregate classification.

Dr. Peter K. Rogan Lab, Western University
No classification provided (evidence only). Condition: Melanoma. Review status: no classification provided. Collection method: in vitro. Allele origin: not applicable. Functional consequence: skipped exon, retained intron. Not counted in ClinVar's aggregate classification.

Dr. Peter K. Rogan Lab, Western University
No classification provided (evidence only). Condition: Melanoma. Review status: no classification provided. Collection method: in vitro. Allele origin: not applicable. Functional consequence: skipped exon, retained intron. Not counted in ClinVar's aggregate classification.

Dr. Peter K. Rogan Lab, Western University
No classification provided (evidence only). Condition: Melanoma. Review status: no classification provided. Collection method: in vitro. Allele origin: not applicable. Functional consequence: skipped exon, retained intron. Not counted in ClinVar's aggregate classification.

Dr. Peter K. Rogan Lab, Western University
No classification provided (evidence only). Condition: Familial cancer of breast. Review status: no classification provided. Collection method: in vitro. Allele origin: not applicable. Functional consequence: skipped exon, retained intron. Not counted in ClinVar's aggregate classification.

Dr. Peter K. Rogan Lab, Western University
No classification provided (evidence only). Condition: Familial cancer of breast. Review status: no classification provided. Collection method: in vitro. Allele origin: not applicable. Functional consequence: skipped exon, retained intron. Not counted in ClinVar's aggregate classification.

Dr. Peter K. Rogan Lab, Western University
No classification provided (evidence only). Condition: Familial cancer of breast. Review status: no classification provided. Collection method: in vitro. Allele origin: not applicable. Functional consequence: skipped exon, retained intron. Not counted in ClinVar's aggregate classification.

Dr. Peter K. Rogan Lab, Western University
No classification provided (evidence only). Condition: Familial cancer of breast. Review status: no classification provided. Collection method: in vitro. Allele origin: not applicable. Functional consequence: skipped exon, retained intron. Not counted in ClinVar's aggregate classification.

Dr. Peter K. Rogan Lab, Western University
No classification provided (evidence only). Condition: Familial cancer of breast. Review status: no classification provided. Collection method: in vitro. Allele origin: not applicable. Functional consequence: skipped exon, retained intron. Not counted in ClinVar's aggregate classification.

Dr. Peter K. Rogan Lab, Western University
No classification provided (evidence only). Condition: Familial cancer of breast. Review status: no classification provided. Collection method: in vitro. Allele origin: not applicable. Functional consequence: skipped exon, retained intron. Not counted in ClinVar's aggregate classification.

Dr. Peter K. Rogan Lab, Western University
No classification provided (evidence only). Condition: Acute myeloid leukemia. Review status: no classification provided. Collection method: in vitro. Allele origin: not applicable. Functional consequence: skipped exon, retained intron. Not counted in ClinVar's aggregate classification.

Dr. Peter K. Rogan Lab, Western University
No classification provided (evidence only). Condition: Colon adenocarcinoma. Review status: no classification provided. Collection method: in vitro. Allele origin: not applicable. Functional consequence: skipped exon, retained intron. Not counted in ClinVar's aggregate classification.

Dr. Peter K. Rogan Lab, Western University
No classification provided (evidence only). Condition: Colorectal cancer. Review status: no classification provided. Collection method: in vitro. Allele origin: not applicable. Functional consequence: skipped exon, retained intron. Not counted in ClinVar's aggregate classification.

Dr. Peter K. Rogan Lab, Western University
No classification provided (evidence only). Condition: Thyroid cancer, nonmedullary, 1. Review status: no classification provided. Collection method: in vitro. Allele origin: not applicable. Functional consequence: skipped exon, retained intron. Not counted in ClinVar's aggregate classification.

Dr. Peter K. Rogan Lab, Western University
No classification provided (evidence only). Condition: Thyroid cancer, nonmedullary, 1. Review status: no classification provided. Collection method: in vitro. Allele origin: not applicable. Functional consequence: skipped exon, retained intron. Not counted in ClinVar's aggregate classification.

Dr. Peter K. Rogan Lab, Western University
No classification provided (evidence only). Condition: Thyroid cancer, nonmedullary, 1. Review status: no classification provided. Collection method: in vitro. Allele origin: not applicable. Functional consequence: skipped exon, retained intron. Not counted in ClinVar's aggregate classification.

Dr. Peter K. Rogan Lab, Western University
No classification provided (evidence only). Condition: Thyroid cancer, nonmedullary, 1. Review status: no classification provided. Collection method: in vitro. Allele origin: not applicable. Functional consequence: skipped exon. Not counted in ClinVar's aggregate classification.

Dr. Peter K. Rogan Lab, Western University
No classification provided (evidence only). Condition: Uterine corpus endometrial carcinoma. Review status: no classification provided. Collection method: in vitro. Allele origin: not applicable. Functional consequence: skipped exon. Not counted in ClinVar's aggregate classification.

Dr. Peter K. Rogan Lab, Western University
No classification provided (evidence only). Condition: Uterine corpus endometrial carcinoma. Review status: no classification provided. Collection method: in vitro. Allele origin: not applicable. Functional consequence: skipped exon. Not counted in ClinVar's aggregate classification.

Dr. Peter K. Rogan Lab, Western University
No classification provided (evidence only). Condition: Uterine corpus endometrial carcinoma. Review status: no classification provided. Collection method: in vitro. Allele origin: not applicable. Functional consequence: skipped exon, retained intron. Not counted in ClinVar's aggregate classification.

Dr. Peter K. Rogan Lab, Western University
No classification provided (evidence only). Condition: Uterine corpus endometrial carcinoma. Review status: no classification provided. Collection method: in vitro. Allele origin: not applicable. Functional consequence: skipped exon. Not counted in ClinVar's aggregate classification.

Dr. Peter K. Rogan Lab, Western University
No classification provided (evidence only). Condition: Cervical cancer. Review status: no classification provided. Collection method: in vitro. Allele origin: not applicable. Functional consequence: skipped exon. Not counted in ClinVar's aggregate classification.

Dr. Peter K. Rogan Lab, Western University
No classification provided (evidence only). Condition: Sarcoma. Review status: no classification provided. Collection method: in vitro. Allele origin: not applicable. Functional consequence: skipped exon. Not counted in ClinVar's aggregate classification.

Dr. Peter K. Rogan Lab, Western University
No classification provided (evidence only). Condition: Sarcoma. Review status: no classification provided. Collection method: in vitro. Allele origin: not applicable. Functional consequence: skipped exon. Not counted in ClinVar's aggregate classification.

Dr. Peter K. Rogan Lab, Western University
No classification provided (evidence only). Condition: Sarcoma. Review status: no classification provided. Collection method: in vitro. Allele origin: not applicable. Functional consequence: skipped exon, retained intron. Not counted in ClinVar's aggregate classification.

Dr. Peter K. Rogan Lab, Western University
No classification provided (evidence only). Condition: Sarcoma. Review status: no classification provided. Collection method: in vitro. Allele origin: not applicable. Functional consequence: skipped exon. Not counted in ClinVar's aggregate classification.

Dr. Peter K. Rogan Lab, Western University
No classification provided (evidence only). Condition: Sarcoma. Review status: no classification provided. Collection method: in vitro. Allele origin: not applicable. Functional consequence: skipped exon, retained intron. Not counted in ClinVar's aggregate classification.

Dr. Peter K. Rogan Lab, Western University
No classification provided (evidence only). Condition: Sarcoma. Review status: no classification provided. Collection method: in vitro. Allele origin: not applicable. Functional consequence: skipped exon. Not counted in ClinVar's aggregate classification.

Dr. Peter K. Rogan Lab, Western University
No classification provided (evidence only). Condition: Sarcoma. Review status: no classification provided. Collection method: in vitro. Allele origin: not applicable. Functional consequence: skipped exon. Not counted in ClinVar's aggregate classification.